The following is an entry in ClinVar:

NM_014915.3(ANKRD26):c.4255A>G (p.Lys1419Glu)

Gene: ANKRD26 (ankyrin repeat domain 26; minus strand). Cytogenetic location: 10p12.1.
Variant type: single nucleotide variant.
Coding change: c.4255A>G on transcript NM_014915.3 (MANE Select); coding-DNA position 4255, A replaced by G.
Protein change: p.Lys1419Glu; replaces lysine 1419 with glutamic acid.
Molecular consequence: missense variant.
Genome position (GRCh38, 1-based): chr10:27,017,753, T>C on the plus strand (A>G on the coding strand, the complement: ANKRD26 is on the minus strand). VCF-style: chr10-27017753-T-C. GRCh37 (hg19) VCF-style: chr10-27306682-T-C.
Other names: c.4252A>G, p.Lys1418Glu (NM_001256053.2); short protein forms K1418E, K1419E.
Identifiers: ClinVar variation 4845145 (VCV004845145.2).

ClinVar aggregate classification (germline): Uncertain significance. Review status: criteria provided, multiple submitters, no conflicts (2 of 4 stars). 2 submissions from 2 submitters: Uncertain significance (2). Last evaluated 2026-02-16.

Conditions:
Inborn genetic diseases. Identifiers: MedGen C0950123, MeSH D030342.
ANKRD26-related disorder. Also called: ANKRD26-related condition.

gnomAD v4.1: 3 of 1,613,186 alleles (0.00019%); highest among the groups gnomAD compares: South Asian, 0.0011%; no homozygotes.

Submissions (2):

Ambry Genetics
Classification: Uncertain significance for Inborn genetic diseases. Last evaluated: 2026-02-16. Review status: criteria provided, single submitter. Criteria: Ambry Variant Classification Scheme 2023. Collection method: clinical testing. Allele origin: germline.
Comment: The p.K1419E variant (also known as c.4255A>G), located in coding exon 30 of the ANKRD26 gene, results from an A to G substitution at nucleotide position 4255. The lysine at codon 1419 is replaced by glutamic acid, an amino acid with similar properties. This amino acid position is conserved. In addition, this alteration is predicted to be tolerated by in silico analysis. Based on the available evidence, the clinical significance of this variant remains unclear.

PreventionGenetics, part of Exact Sciences
Classification: Uncertain significance for ANKRD26-related condition. Last evaluated: 2025-06-26. Review status: criteria provided, single submitter. Criteria: ACMG Guidelines, 2015. Collection method: clinical testing. Allele origin: germline.
Comment: The ANKRD26 c.4255A>G variant is predicted to result in the amino acid substitution p.Lys1419Glu. To our knowledge, this variant has not been reported in the literature or in a large population database (gnomAD), indicating this variant is rare. At this time, the clinical significance of this variant is uncertain due to the absence of conclusive functional and genetic evidence.